The following is an entry in ClinVar:

ClinVar aggregate classification (germline): Conflicting classifications of pathogenicity. Review status: criteria provided, conflicting classifications (1 of 4 stars). 2 submissions from 2 submitters: Uncertain significance (1); Likely benign (1). Last evaluated 2023-09-27.

Conditions:
Hereditary cancer-predisposing syndrome. Also called: Neoplastic Syndromes, Hereditary; Tumor predisposition; Hereditary Cancer Syndrome; Hereditary neoplastic syndrome. Identifiers: Orphanet 140162, MedGen C0027672, MeSH D009386, MONDO:0015356.
Cardiovascular phenotype. Identifiers: MedGen CN230736.

Submissions (2):

GeneDx
Classification: Uncertain significance. Last evaluated: 2023-09-27. Review status: criteria provided, single submitter. Criteria: GeneDx Variant Classification Process June 2021. Collection method: clinical testing. Allele origin: germline. Affected: yes.
Comment: Not observed at significant frequency in large population cohorts (gnomAD); In silico analysis supports a deleterious effect on protein structure/function; Has not been previously published as pathogenic or benign to our knowledge; This variant is associated with the following publications: (PMID: 25486365)

Ambry Genetics
Classification: Likely benign for Cardiovascular phenotype; Hereditary cancer-predisposing syndrome. Last evaluated: 2023-06-21. Review status: criteria provided, single submitter. Criteria: Ambry Variant Classification Scheme 2023. Collection method: clinical testing. Allele origin: germline.

NM_001042492.3(NF1):c.2032_2034delinsGCA (p.Pro678Ala)

Gene: NF1 (neurofibromin 1; plus strand). Cytogenetic location: 17q11.2.
Variant type: Indel.
Coding change: c.2032_2034delinsGCA on transcript NM_001042492.3 (MANE Select); coding-DNA positions 2032 to 2034, CCG replaced by GCA.
Protein change: p.Pro678Ala; replaces proline 678 with alanine.
Molecular consequence: missense variant.
Genome position (GRCh38, 1-based): chr17:31,226,465-31,226,467, CCG replaced by GCA. VCF-style: chr17-31226465-CCG-GCA. GRCh37 (hg19) VCF-style: chr17-29553483-CCG-GCA.
Other names: c.2032_2034delCCGinsGCA (NM_000267.3); c.2032_2034delCCGinsGCA, p.Pro678Ala (NM_000267.4); short protein forms P678A.
Identifiers: ClinVar variation 820562 (VCV000820562.4), dbSNP rs1597712318, ClinGen allele CA915949720.